The following is an entry in ClinVar:

NM_000051.4(ATM):c.1573_1586del (p.Lys525fs)

Gene: ATM (ATM serine/threonine kinase; plus strand). Cytogenetic location: 11q22.3.
Variant type: Deletion.
Coding change: c.1573_1586del on transcript NM_000051.4 (MANE Select); coding-DNA positions 1573 to 1586, 14 bases deleted (AAGTTATTTACTGG).
Protein change: p.Lys525fs; shifts the reading frame from lysine 525.
Molecular consequence: frameshift variant.
Genome position (GRCh38, 1-based): chr11:108,251,038-108,251,051, AAGTTATTTACTGG deleted; deleting any 14 consecutive bases within chr11:108,251,034-108,251,051 gives the same sequence; the c. name uses the placement nearest the transcript's 3' end. VCF-style (leftmost placement, unchanged base first): chr11-108251033-TCTGGAAGTTATTTA-T. GRCh37 (hg19) VCF-style: chr11-108121760-TCTGGAAGTTATTTA-T.
Other names: c.1573_1586del, p.Lys525fs (NM_001351834.2); short protein forms K525fs.
Identifiers: ClinVar variation 3148435 (VCV003148435.1), dbSNP rs2497252550, ClinGen allele CA2825001786.

ClinVar aggregate classification (germline): Pathogenic (1 of 4 stars; one submission).

Conditions:
Familial cancer of breast. Also called: BREAST CANCER, FAMILIAL; Hereditary breast cancer; hereditary breast carcinoma. Identifiers: Orphanet 227535, MedGen C0346153, MONDO:0016419, OMIM 114480. Disease mechanism: loss of function.

Submission:

Myriad Genetics, Inc.
Classification: Pathogenic for Familial cancer of breast. Last evaluated: 2024-01-16. Review status: criteria provided, single submitter. Criteria: Myriad Autosomal Dominant, Autosomal Recessive and X-Linked Classification Criteria (2023). Collection method: clinical testing. Allele origin: unknown.
Comment: This variant is considered pathogenic. This variant creates a frameshift predicted to result in premature protein truncation.